The following is an entry in ClinVar:

ClinVar aggregate classification (germline): Uncertain significance (1 of 4 stars; one submission).

Conditions:
Baller-Gerold syndrome (BGS). Also called: CRANIOSYNOSTOSIS WITH RADIAL DEFECTS. Identifiers: Orphanet 1225, MedGen C0265308, MONDO:0009039, OMIM 218600.

Submission:

Labcorp Genetics (formerly Invitae), Labcorp
Classification: Uncertain significance for Baller-Gerold syndrome. Last evaluated: 2017-02-05. Review status: criteria provided, single submitter. Criteria: Invitae Variant Classification Sherloc (09022015). Collection method: clinical testing. Allele origin: germline.
Comment: This sequence change replaces glycine with tryptophan at codon 106 of the RECQL4 protein (p.Gly106Trp). The glycine residue is highly conserved and there is a large physicochemical difference between glycine and tryptophan. This variant is not present in population databases (ExAC no frequency) and has not been reported in the literature in individuals with a RECQL4-related disease. Algorithms developed to predict the effect of missense changes on protein structure and function do not agree on the potential impact of this missense change (SIFT: "Deleterious"; PolyPhen-2: "Probably Damaging"; Align-GVGD: "Class C15"). In summary, this variant is a novel missense change with uncertain impact on protein function. It has been classified as a Variant of Uncertain Significance.

NM_004260.4(RECQL4):c.316G>T (p.Gly106Trp)

Gene: RECQL4 (RecQ like helicase 4; minus strand). Cytogenetic location: 8q24.3.
Variant type: single nucleotide variant.
Coding change: c.316G>T on transcript NM_004260.4 (MANE Select); coding-DNA position 316, G replaced by T.
Protein change: p.Gly106Trp; replaces glycine 106 with tryptophan.
Molecular consequence: missense variant.
Genome position (GRCh38, 1-based): chr8:144,517,088, C>A on the plus strand (G>T on the coding strand, the complement: RECQL4 is on the minus strand). VCF-style: chr8-144517088-C-A. GRCh37 (hg19) VCF-style: chr8-145742472-C-A.
Other names: short protein forms G106W.
Identifiers: ClinVar variation 459462 (VCV000459462.3), dbSNP rs1379063242, ClinGen allele CA372692019.